The following is an entry in ClinVar:

NM_001348768.2(HECW2):c.151G>A (p.Asp51Asn)

Gene: HECW2 (HECT, C2 and WW domain containing E3 ubiquitin protein ligase 2; minus strand). Cytogenetic location: 2q32.3.
Variant type: single nucleotide variant.
Coding change: c.151G>A on transcript NM_001348768.2 (MANE Select); coding-DNA position 151, G replaced by A.
Protein change: p.Asp51Asn; replaces aspartic acid 51 with asparagine.
Molecular consequence: missense variant.
Genome position (GRCh38, 1-based): chr2:196,433,273, C>T on the plus strand (G>A on the coding strand, the complement: HECW2 is on the minus strand). VCF-style: chr2-196433273-C-T. GRCh37 (hg19) VCF-style: chr2-197297997-C-T.
Other names: c.151G>A, p.Asp51Asn (NM_020760.4); short protein forms D51N.
Identifiers: ClinVar variation 2240436 (VCV002240436.27), dbSNP rs1025299878, ClinGen allele CA63506851.

ClinVar aggregate classification (germline): Uncertain significance. Review status: criteria provided, multiple submitters, no conflicts (2 of 4 stars). 3 submissions from 3 submitters: Uncertain significance (3). Last evaluated 2022-05-01.

Conditions:
Inborn genetic diseases. Identifiers: MedGen C0950123, MeSH D030342.

Allele frequency attached by ClinVar (database versions not stated): gnomAD exomes 0.00001; gnomAD 0.00002; TOPMed 0.00002.
gnomAD v4.1: 23 of 1,614,150 alleles (0.0014%); highest among the groups gnomAD compares: East Asian, 0.025%; no homozygotes.

Submissions (3):

CeGaT Center for Human Genetics Tuebingen
Classification: Uncertain significance. Last evaluated: 2022-05-01. Review status: criteria provided, single submitter. Criteria: CeGaT Center For Human Genetics Tuebingen Variant Classification Criteria Version 2. Collection method: clinical testing. Allele origin: germline. Affected: yes. Observed: 1 variant allele.
Comment: HECW2: PP2

Ambry Genetics
Classification: Uncertain significance for Inborn genetic diseases. Last evaluated: 2021-08-02. Review status: criteria provided, single submitter. Criteria: Ambry Variant Classification Scheme 2023. Collection method: clinical testing. Allele origin: germline.

Breakthrough Genomics
Classification: Uncertain significance. Review status: criteria provided, single submitter. Criteria: ACMG Guidelines, 2015. Collection method: not provided. Allele origin: germline. Inheritance: Autosomal dominant inheritance. Affected: yes.